The following is an entry in ClinVar:

ClinVar aggregate classification (germline): Likely benign (1 of 4 stars; one submission).

Allele frequency attached by ClinVar (database versions not stated): 1000 Genomes Project 0.00679; 1000 Genomes Project 30x 0.00687; gnomAD 0.00688 and 0.00735; TOPMed 0.00754.

Submission:

GeneDx
Classification: Likely benign. Last evaluated: 2018-06-16. Review status: criteria provided, single submitter. Criteria: GeneDx Variant Classification (06012015). Collection method: clinical testing. Allele origin: germline. Affected: yes.
Comment: This variant is considered likely benign or benign based on one or more of the following criteria: it is a conservative change, it occurs at a poorly conserved position in the protein, it is predicted to be benign by multiple in silico algorithms, and/or has population frequency not consistent with disease.

NM_025114.4(CEP290):c.4195-341C>T

Gene: CEP290 (centrosomal protein 290; minus strand). Cytogenetic location: 12q21.32.
Variant type: single nucleotide variant.
Coding change: c.4195-341C>T on transcript NM_025114.4 (MANE Select); 341 bases into the intron before coding-DNA position 4195, C replaced by T.
Molecular consequence: intron variant.
Genome position (GRCh38, 1-based): chr12:88,086,839, G>A on the plus strand (C>T on the coding strand, the complement: CEP290 is on the minus strand). VCF-style: chr12-88086839-G-A. GRCh37 (hg19) VCF-style: chr12-88480616-G-A.
Identifiers: ClinVar variation 673835 (VCV000673835.1), dbSNP rs149499240, ClinGen allele CA241162000.
Genomic context (GRCh38, chr12:88,086,839, plus strand): 5'-CAAGCATCATTCTAGGAAATACAAACATGGCAGTAAACAAAACCAAGTCCGTGTCACCAC[G>A]GAACTTGCATTCTGGCGAAGGAAAGACAGTCAATAATAAACCAGTAAGTATGTAATACGT-3'